The following is an entry in ClinVar:

ClinVar aggregate classification (germline): Uncertain significance (1 of 4 stars; one submission).

Conditions:
Intellectual developmental disorder, X-linked 1. Also called: Intellectual disability, X-linked 1; Atkin Flaitz Patil Smith syndrome; MENTAL RETARDATION, X-LINKED 18; MENTAL RETARDATION, X-LINKED 78. Identifiers: Orphanet 777, MedGen C2931498, MONDO:0010656, OMIM 309530.

Submission:

Labcorp Genetics (formerly Invitae), Labcorp
Classification: Uncertain significance for Intellectual developmental disorder, X-linked 1. Last evaluated: 2021-11-25. Review status: criteria provided, single submitter. Criteria: Invitae Variant Classification Sherloc (09022015). Collection method: clinical testing. Allele origin: germline.
Comment: This variant has not been reported in the literature in individuals affected with IQSEC2-related conditions. This variant is not present in population databases (gnomAD no frequency). This sequence change replaces arginine, which is basic and polar, with leucine, which is neutral and non-polar, at codon 679 of the IQSEC2 protein (p.Arg679Leu). Advanced modeling of protein sequence and biophysical properties (such as structural, functional, and spatial information, amino acid conservation, physicochemical variation, residue mobility, and thermodynamic stability) performed at Invitae indicates that this missense variant is not expected to disrupt IQSEC2 protein function. In summary, the available evidence is currently insufficient to determine the role of this variant in disease. Therefore, it has been classified as a Variant of Uncertain Significance.

NM_001111125.3(IQSEC2):c.2036G>T (p.Arg679Leu)

Gene: IQSEC2 (IQ motif and Sec7 domain ArfGEF 2; minus strand). Cytogenetic location: Xp11.22.
Variant type: single nucleotide variant.
Coding change: c.2036G>T on transcript NM_001111125.3 (MANE Select); coding-DNA position 2036, G replaced by T.
Protein change: p.Arg679Leu; replaces arginine 679 with leucine.
Molecular consequence: missense variant.
Genome position (GRCh38, 1-based): chrX:53,250,540, C>A on the plus strand (G>T on the coding strand, the complement: IQSEC2 is on the minus strand). VCF-style: chrX-53250540-C-A. GRCh37 (hg19) VCF-style: chrX-53279722-C-A.
Other names: c.1421G>T, p.Arg474Leu (NM_015075.2); short protein forms R474L, R679L.
Identifiers: ClinVar variation 1475654 (VCV001475654.6), dbSNP rs1345618130, ClinGen allele CA413162577.
Genomic context (GRCh38, chrX:53,250,540, plus strand): 5'-AGGCTCTCGTTATCTCCACCATCAGAGTTCTCGCCTGCTGCCTCGCACTTCCCCAACCTC[C>A]GACCCCCAGCCACACCACTGGGCCCAGTGCCACTGTTGGGGGCTGGTGGCAGGGGCCCTG-3'
Protein context (NP_001104595.1, residues 669-689): GTGPSGVAGG[Arg679Leu]RLGKCEAAGE